The following is an entry in ClinVar:

NM_019888.3(MC3R):c.763dup (p.Trp255fs)

Gene: MC3R (melanocortin 3 receptor; plus strand). Cytogenetic location: 20q13.2.
Variant type: Duplication.
Coding change: c.763dup on transcript NM_019888.3 (MANE Select); coding-DNA position 763, one base duplicated (T; older notation c.763dupT).
Protein change: p.Trp255fs; shifts the reading frame from tryptophan 255.
Molecular consequence: frameshift variant.
Genome position (GRCh38, 1-based): chr20:56,249,606, T duplicated. VCF-style (leftmost placement, unchanged base first): chr20-56249605-C-CT. GRCh37 (hg19) VCF-style: chr20-54824661-C-CT.
Other names: c.763dupT (NM_019888.3); short protein forms W255fs.
Identifiers: ClinVar variation 4992186 (VCV004992186.1).
Genomic context (GRCh38, chr20:56,249,605, plus strand): 5'-ACACTCATGCATGAAGGGGGCAGTCACCATCACCATTCTCCTGGGCGTGTTCATCTTCTG[C>CT]TGGGCCCCCTTCTTCCTCCACCTGGTCCTCATCATCACCTGCCCCACCAACCCCTACTGC-3'

ClinVar aggregate classification (germline): Uncertain significance (1 of 4 stars; one submission).

Conditions:
MC3R-related disorder. Also called: MC3R-related condition.

Submission:

PreventionGenetics, part of Exact Sciences
Classification: Uncertain significance for MC3R-related condition. Last evaluated: 2026-05-21. Review status: criteria provided, single submitter. Criteria: ACMG Guidelines, 2015. Collection method: clinical testing. Allele origin: germline.
Comment: The MC3R c.763dupT variant is predicted to result in a frameshift and premature protein termination (p.Trp255Leufs*57). To our knowledge, this variant has not been reported in the literature or in a large population database (gnomAD), indicating this variant is rare. Loss of function is not an established mechanism of MC3R-related disease. Although we suspect that this variant may be pathogenic, at this time, the clinical significance of this variant is uncertain due to the absence of conclusive functional and genetic evidence.